The following is an entry in ClinVar:

NM_014714.4(IFT140):c.213G>A (p.Pro71=)

Genes: IFT140 (intraflagellar transport 140; minus strand), LOC105371046 (uncharacterized LOC105371046; plus strand). Cytogenetic location: 16p13.3.
Variant type: single nucleotide variant.
Coding change: c.213G>A on transcript NM_014714.4 (MANE Select); coding-DNA position 213, G replaced by A.
Protein change: p.Pro71=; no amino-acid change (proline 71 retained).
Molecular consequence: synonymous variant.
Genome position (GRCh38, 1-based): chr16:1,602,526, C>T on the plus strand (G>A on the coding strand, the complement: IFT140 is on the minus strand). VCF-style: chr16-1602526-C-T. GRCh37 (hg19) VCF-style: chr16-1652527-C-T.
Other names: c.213G>A (NM_014714.3).
Identifiers: ClinVar variation 3017464 (VCV003017464.5), dbSNP rs762239414, ClinGen allele CA7814777.

ClinVar aggregate classification (germline): Likely benign. Review status: criteria provided, multiple submitters, no conflicts (2 of 4 stars). 3 submissions from 3 submitters: Likely benign (3). Last evaluated 2025-12-11.

Conditions:
IFT140-related disorder. Also called: IFT140-related condition.
Saldino-Mainzer syndrome (SRTD9). Also called: CONORENAL SYNDROME; SHORT-RIB THORACIC DYSPLASIA 9 WITHOUT POLYDACTYLY; Renal dysplasia, retinal pigmentary dystrophy, cerebellar ataxia and skeletal dysplasia; short-rib thoracic dysplasia 9 with or without polydactyly. Identifiers: Orphanet 140969, MedGen C1849437, MONDO:0009964, OMIM 266920.

Allele frequency attached by ClinVar (database versions not stated): gnomAD exomes 0.00001; ExAC 0.00002; gnomAD 0.00002; TOPMed 0.00003.
gnomAD v4.1: 14 of 1,613,996 alleles (0.00087%); highest among the groups gnomAD compares: Admixed American, 0.005%; no homozygotes.

Submissions (3):

PreventionGenetics, part of Exact Sciences
Classification: Likely benign for IFT140-related condition. Last evaluated: 2025-12-11. Review status: criteria provided, single submitter. Criteria: ACMG Guidelines, 2015. Collection method: clinical testing. Allele origin: germline.
Comment: This variant is classified as likely benign based on ACMG/AMP sequence variant interpretation guidelines (Richards et al. 2015 PMID: 25741868, with internal and published modifications).

Labcorp Genetics (formerly Invitae), Labcorp
Classification: Likely benign for Saldino-Mainzer syndrome. Last evaluated: 2025-02-06. Review status: criteria provided, single submitter. Criteria: Invitae Variant Classification Sherloc (09022015). Collection method: clinical testing. Allele origin: germline.

Blueprint Genetics
Classification: Likely benign. Last evaluated: 2024-06-07. Review status: criteria provided, single submitter. Criteria: ACMG Guidelines, 2015. Collection method: clinical testing. Allele origin: germline.